The following is an entry in ClinVar:

NM_025114.4(CEP290):c.148C>G (p.His50Asp)

Gene: CEP290 (centrosomal protein 290; minus strand). Cytogenetic location: 12q21.32.
Variant type: single nucleotide variant.
Coding change: c.148C>G on transcript NM_025114.4 (MANE Select); coding-DNA position 148, C replaced by G.
Protein change: p.His50Asp; replaces histidine 50 with aspartic acid.
Molecular consequence: missense variant.
Genome position (GRCh38, 1-based): chr12:88,140,988, G>C on the plus strand (C>G on the coding strand, the complement: CEP290 is on the minus strand). VCF-style: chr12-88140988-G-C. GRCh37 (hg19) VCF-style: chr12-88534765-G-C.
Other names: short protein forms H50D.
Identifiers: ClinVar variation 4064327 (VCV004064327.2).
Genomic context (GRCh38, chr12:88,140,988, plus strand): 5'-CTATAGTTAAAACCTACTACATACAAACCTTCATTAGTGACTGAGTAATTCTGAAAAGGT[G>C]TATCACATTTTCTTGCTTTTCACTTTTTAGCTCATTTACTTCCACCTAAGTAAACAGAAA-3'
Protein context (NP_079390.3, residues 40-60): LKSEKQENVI[His50Asp]LFRITQSLMK

ClinVar aggregate classification (germline): Uncertain significance. Review status: criteria provided, single submitter (1 of 4 stars). 2 submissions from 2 submitters: Uncertain significance (1). 1 of the submissions does not count toward it. Last evaluated 2026-08-23.

Conditions:
Leber congenital amaurosis (LCA). Also called: Leber's amaurosis. Identifiers: Orphanet 65, MedGen C0339527, MeSH D057130, MONDO:0018998.
CEP290-related disorder. Also called: CEP290-related condition; CEP290-related disorders. Identifiers: MedGen CN239314.

gnomAD v4.1: 2 of 1,591,388 alleles (0.00013%); highest among the groups gnomAD compares: Non-Finnish European, 0.00017%; no homozygotes.

Submissions (2):

PreventionGenetics, part of Exact Sciences
Classification: Uncertain significance for CEP290-related condition. Last evaluated: 2026-08-23. Review status: criteria provided, single submitter. Criteria: ACMG Guidelines, 2015. Collection method: clinical testing. Allele origin: germline.
Comment: The CEP290 c.148C>G variant is predicted to result in the amino acid substitution p.His50Asp. To our knowledge, this variant has not been reported in the literature. This variant is reported in 0.00096% of alleles in individuals of European (Non-Finnish) descent in gnomAD. At this time, the clinical significance of this variant is uncertain due to the absence of conclusive functional and genetic evidence.

Natera, Inc.
Classification: Uncertain significance for Leber congenital amaurosis. Last evaluated: 2025-02-20. Review status: no assertion criteria provided. Collection method: clinical testing. Allele origin: germline. Not counted in ClinVar's aggregate classification.